The following is an entry in ClinVar:

NM_002474.3(MYH11):c.5299G>A (p.Glu1767Lys)

Genes: NDE1 (nudE neurodevelopment protein 1; plus strand), MYH11 (myosin heavy chain 11; minus strand). Cytogenetic location: 16p13.11.
Variant type: single nucleotide variant.
Coding change: c.5299G>A on transcript NM_002474.3 (MANE Select); coding-DNA position 5299, G replaced by A.
Protein change: p.Glu1767Lys; replaces glutamic acid 1767 with lysine.
Molecular consequence: missense variant. On other transcripts: intron variant (2).
Genome position (GRCh38, 1-based): chr16:15,717,345, C>T on the plus strand (G>A on the coding strand, the complement: MYH11 is on the minus strand). VCF-style: chr16-15717345-C-T. GRCh37 (hg19) VCF-style: chr16-15811202-C-T.
Other names: c.5320G>A, p.Glu1774Lys (NM_001040113.2, NM_001040114.2); c.5299G>A, p.Glu1767Lys (NM_022844.3); c.948-6846C>T (NM_001143979.2, NM_017668.3); short protein forms E1767K, E1774K.
Identifiers: ClinVar variation 629622 (VCV000629622.5), dbSNP rs377663370, ClinGen allele CA7921306.
Genomic context (GRCh38, chr16:15,717,345, plus strand): 5'-GGGCACTCTCATTCTTCTGGGCCGTGCTGCGCTCTGTGGCCAGCTCGTTGCTGAGCTGCT[C>T]GGCCTGGGGAGGAGAGTGAAGGCCATGAGGCGGACTCAGGGAAGCCCAAGAGAGCGCACT-3'
Protein context (NP_002465.1, residues 1757-1777): DRVRKATQQA[Glu1767Lys]QLSNELATER

ClinVar aggregate classification (germline): Uncertain significance. Review status: criteria provided, multiple submitters, no conflicts (2 of 4 stars). 2 submissions from 2 submitters: Uncertain significance (2). Last evaluated 2023-12-05.

Conditions:
Familial thoracic aortic aneurysm and aortic dissection (TAAD). Also called: Thoracic aortic aneurysms and dissections. Identifiers: Orphanet 91387, MedGen C4707243, MONDO:0019625.

Allele frequency attached by ClinVar (database versions not stated): gnomAD exomes below 0.00001 and 0.00001; ExAC 0.00001; ESP Exome Variant Server 0.00008.
gnomAD v4.1: 5 of 1,606,334 alleles (0.00031%); highest among the groups gnomAD compares: East Asian, 0.0022%; no homozygotes.

Submissions (2):

Color Diagnostics, LLC DBA Color Health
Classification: Uncertain significance for Familial thoracic aortic aneurysm and aortic dissection. Last evaluated: 2023-12-05. Review status: criteria provided, single submitter. Criteria: ACMG Guidelines, 2015. Collection method: clinical testing. Allele origin: germline.
Comment: Variant of Uncertain Significance due to insufficient evidence: This missense variant is located in the coiled coil myosin tail domain of the MYH11 protein. Computational prediction tools and conservation analyses suggest that this variant may have deleterious impact on the protein function. Computational splicing tools suggest that this variant may not impact RNA splicing. To our knowledge, functional assays have not been performed for this variant nor has this variant been reported in individuals affected with cardiovascular disorders in the literature. This variant is rare in the general population and has been identified in 0/277264 chromosomes by the Genome Aggregation Database (gnomAD). Available evidence is insufficient to determine the pathogenicity of this variant conclusively.

Women's Health and Genetics/Laboratory Corporation of America, LabCorp
Classification: Uncertain significance. Last evaluated: 2023-09-16. Review status: criteria provided, single submitter. Criteria: LabCorp Variant Classification Summary - May 2015. Collection method: clinical testing. Allele origin: germline.